The following is an entry in ClinVar:

ClinVar aggregate classification (germline): Uncertain significance (1 of 4 stars; one submission).

Conditions:
Inborn genetic diseases. Identifiers: MedGen C0950123, MeSH D030342.

Submission:

Ambry Genetics
Classification: Uncertain significance for Inborn genetic diseases. Last evaluated: 2022-06-15. Review status: criteria provided, single submitter. Criteria: Ambry Variant Classification Scheme 2023. Collection method: clinical testing. Allele origin: germline.
Comment: The p.V27L variant (also known as c.79G>C), located in coding exon 2 of the MDH2 gene, results from a G to C substitution at nucleotide position 79. The valine at codon 27 is replaced by leucine, an amino acid with highly similar properties. This amino acid position is conserved. In addition, the in silico prediction for this alteration is inconclusive. Since supporting evidence is limited at this time, the clinical significance of this alteration remains unclear.

NM_005918.4(MDH2):c.79G>C (p.Val27Leu)

Gene: MDH2 (malate dehydrogenase 2; plus strand). Cytogenetic location: 7q11.23.
Variant type: single nucleotide variant.
Coding change: c.79G>C on transcript NM_005918.4 (MANE Select); coding-DNA position 79, G replaced by C.
Protein change: p.Val27Leu; replaces valine 27 with leucine.
Molecular consequence: missense variant. On other transcripts: intron variant (1).
Genome position (GRCh38, 1-based): chr7:76,054,842, G>C. VCF-style: chr7-76054842-G-C. GRCh37 (hg19) VCF-style: chr7-75684160-G-C.
Other names: c.79G>C, p.Val27Leu (NM_001282403.2); c.-86-2568G>C (NM_001282404.2); short protein forms V27L.
Identifiers: ClinVar variation 1761579 (VCV001761579.2), dbSNP rs1404425373, ClinGen allele CA367762061.